The following is an entry in ClinVar:

ClinVar aggregate classification (germline): Uncertain significance (1 of 4 stars; one submission).

Conditions:
Familial cancer of breast. Also called: BREAST CANCER, FAMILIAL; Hereditary breast cancer; hereditary breast carcinoma. Identifiers: Orphanet 227535, MedGen C0346153, MONDO:0016419, OMIM 114480. Disease mechanism: loss of function.
Fanconi anemia complementation group J. Also called: BRIP1-Related Fanconi Anemia. Identifiers: Orphanet 84, MedGen C1836860, MONDO:0012187, OMIM 609054.

Submission:

Labcorp Genetics (formerly Invitae), Labcorp
Classification: Uncertain significance for Familial cancer of breast; Fanconi anemia complementation group J. Last evaluated: 2021-04-24. Review status: criteria provided, single submitter. Criteria: Invitae Variant Classification Sherloc (09022015). Collection method: clinical testing. Allele origin: germline.
Comment: In summary, the available evidence is currently insufficient to determine the role of this variant in disease. Therefore, it has been classified as a Variant of Uncertain Significance. Algorithms developed to predict the effect of missense changes on protein structure and function are either unavailable or do not agree on the potential impact of this missense change (SIFT: "Tolerated"; PolyPhen-2: "Possibly Damaging"; Align-GVGD: "Class C0"). This variant has not been reported in the literature in individuals with BRIP1-related conditions. This variant is not present in population databases (ExAC no frequency). This sequence change replaces methionine with isoleucine at codon 532 of the BRIP1 protein (p.Met532Ile). The methionine residue is moderately conserved and there is a small physicochemical difference between methionine and isoleucine.

NM_032043.3(BRIP1):c.1596G>A (p.Met532Ile)

Gene: BRIP1 (BRCA1 interacting DNA helicase 1; minus strand). Cytogenetic location: 17q23.2.
Variant type: single nucleotide variant.
Coding change: c.1596G>A on transcript NM_032043.3 (MANE Select); coding-DNA position 1596, G replaced by A.
Protein change: p.Met532Ile; replaces methionine 532 with isoleucine.
Molecular consequence: missense variant.
Genome position (GRCh38, 1-based): chr17:61,784,302, C>T on the plus strand (G>A on the coding strand, the complement: BRIP1 is on the minus strand). VCF-style: chr17-61784302-C-T. GRCh37 (hg19) VCF-style: chr17-59861663-C-T.
Other names: short protein forms M532I.
Identifiers: ClinVar variation 1445688 (VCV001445688.9), dbSNP rs2145136186, ClinGen allele CA400481004.